The following is an entry in ClinVar:

NM_001024630.4(RUNX2):c.380C>G (p.Pro127Arg)

Gene: RUNX2 (RUNX family transcription factor 2; plus strand). Cytogenetic location: 6p21.1.
Variant type: single nucleotide variant.
Coding change: c.380C>G on transcript NM_001024630.4 (MANE Select); coding-DNA position 380, C replaced by G.
Protein change: p.Pro127Arg; replaces proline 127 with arginine.
Molecular consequence: missense variant.
Genome position (GRCh38, 1-based): chr6:45,422,914, C>G. VCF-style: chr6-45422914-C-G. GRCh37 (hg19) VCF-style: chr6-45390651-C-G.
Other names: c.380C>G, p.Pro127Arg (NM_001015051.4); c.338C>G, p.Pro113Arg (NM_001278478.2, NM_001369405.1); short protein forms P113R, P127R.
Identifiers: ClinVar variation 1334622 (VCV001334622.4), dbSNP rs2150362645, ClinGen allele CA363958617.

ClinVar aggregate classification (germline): Uncertain significance (1 of 4 stars; one submission).

Submission:

Greenwood Genetic Center Diagnostic Laboratories, Greenwood Genetic Center
Classification: Uncertain significance. Last evaluated: 2021-10-18. Review status: criteria provided, single submitter. Criteria: ACMG Guidelines, 2015. Collection method: clinical testing. Allele origin: germline. Affected: yes.
Comment: PP3, PM2